The following is an entry in ClinVar:

ClinVar aggregate classification (germline): Uncertain significance (1 of 4 stars; one submission).

Conditions:
MELAS syndrome (MELAS). Also called: Juvenile myopathy, encephalopathy, lactic acidosis, stroke. Identifiers: Orphanet 550, MedGen C0162671, MONDO:0010789, OMIM 540000.

Submission:

Wong Mito Lab, Molecular and Human Genetics, Baylor College of Medicine
Classification: Uncertain significance for MELAS syndrome. Last evaluated: 2019-07-12. Review status: criteria provided, single submitter. Criteria: Modified ACMG Guidelines (Unpublished). Collection method: clinical testing. Allele origin: germline.
Comment: The NC_012920.1:m.10027T>C variant in MT-TG gene is interpreted to be a Unknown Significance variant based on the modified ACMG guidelines (unpublished). This variant meets the following evidence codes reported in the guidelines: PP7

Literature cited by the submitters: PubMed 31965079.

NC_012920.1(MT-TG):m.10027T>C

Gene: MT-TG (mitochondrially encoded tRNA glycine; plus strand).
Variant type: single nucleotide variant.
Genome position: chrM-10027-T-C.
Identifiers: ClinVar variation 690101 (VCV000690101.1), dbSNP rs1603222638, ClinGen allele CA913161592.
Genomic context (GRCh38, chrMT:10,027, plus strand): 5'-TCTCCATCTATTGATGAGGGTCTTACTCTTTTAGTATAAATAGTACCGTTAACTTCCAAT[T>C]AACTAGTTTTGACAACATTCAAAAAAGAGTAATAAACTTCGCCTTAATTTTAATAATCAA-3'